The following is an entry in ClinVar:

NM_000038.6(APC):c.384A>G (p.Arg128=)

Gene: APC (APC regulator of Wnt signaling pathway; plus strand). Cytogenetic location: 5q22.2.
Variant type: single nucleotide variant.
Coding change: c.384A>G on transcript NM_000038.6 (MANE Select); coding-DNA position 384, A replaced by G.
Protein change: p.Arg128=; no amino-acid change (arginine 128 retained).
Molecular consequence: synonymous variant. On other transcripts: 5 prime UTR variant (1).
Genome position (GRCh38, 1-based): chr5:112,767,352, A>G. VCF-style: chr5-112767352-A-G. GRCh37 (hg19) VCF-style: chr5-112103049-A-G.
Other names: c.384A>G, p.Arg128= (NM_001127510.3, NM_001354895.2, NM_001354896.2 and 2 more transcripts); c.414A>G, p.Arg138= (NM_001127511.3, NM_001354897.2, NM_001354902.2); c.309A>G, p.Arg103= (NM_001354898.2, NM_001354904.2); c.207A>G, p.Arg69= (NM_001354900.2, NM_001354901.2, NM_001354905.2); c.-652A>G (NM_001354906.2).
Identifiers: ClinVar variation 231663 (VCV000231663.18), dbSNP rs876659284, ClinGen allele CA10578292.

ClinVar aggregate classification (germline): Conflicting classifications of pathogenicity. Review status: criteria provided, conflicting classifications (1 of 4 stars). 5 submissions from 5 submitters: Uncertain significance (1); Benign (1); Likely benign (3). Last evaluated 2026-01-18.

Conditions:
Familial adenomatous polyposis 1 (FAP1). Also called: FAMILIAL ADENOMATOUS POLYPOSIS 1, ATTENUATED; POLYPOSIS, ADENOMATOUS INTESTINAL. Identifiers: MedGen C2713442, MONDO:0021056, OMIM 175100. Disease mechanism: loss of function.
Hereditary cancer-predisposing syndrome. Also called: Neoplastic Syndromes, Hereditary; Tumor predisposition; Hereditary Cancer Syndrome; Hereditary neoplastic syndrome. Identifiers: Orphanet 140162, MedGen C0027672, MeSH D009386, MONDO:0015356.

Allele frequency attached by ClinVar (database versions not stated): gnomAD exomes below 0.00001; gnomAD 0.00001; TOPMed 0.00001.
gnomAD v4.1: 3 of 1,614,054 alleles (0.00019%); highest among the groups gnomAD compares: Non-Finnish European, 0.00025%; no homozygotes.

Submissions (5):

Labcorp Genetics (formerly Invitae), Labcorp
Classification: Likely benign for Familial adenomatous polyposis 1. Last evaluated: 2026-01-18. Review status: criteria provided, single submitter. Criteria: Invitae Variant Classification Sherloc (09022015). Collection method: clinical testing. Allele origin: germline.

Myriad Genetics, Inc.
Classification: Benign for Familial adenomatous polyposis 1. Last evaluated: 2024-02-23. Review status: criteria provided, single submitter. Criteria: Myriad Autosomal Dominant, Autosomal Recessive and X-Linked Classification Criteria (2023). Collection method: clinical testing. Allele origin: unknown.
Comment: This variant is considered benign. This variant is a silent/synonymous amino acid change and it is not expected to impact splicing.

Color Diagnostics, LLC DBA Color Health
Classification: Likely benign for Hereditary cancer-predisposing syndrome. Last evaluated: 2020-07-14. Review status: criteria provided, single submitter. Criteria: ACMG Guidelines, 2015. Collection method: clinical testing. Allele origin: germline.

GeneDx
Classification: Uncertain significance. Last evaluated: 2016-04-11. Review status: criteria provided, single submitter. Criteria: GeneDx Variant Classification (06012015). Collection method: clinical testing. Allele origin: germline. Affected: yes.
Comment: This variant is denoted APC c.384A>G at the DNA level. This variant is silent at the coding level, preserving an Arginine at codon 128. It is not predicted to cause abnormal splicing. This variant has not, to our knowledge, been published in the literature as being pathogenic or benign. APC c.384A>G was not observed at a significant allele frequency in the NHLBI Exome Sequencing Project.The nucleotide which is altered, a adenine (A) at base 384, is conserved across species. Based on currently available information, it is unclear whether APC c.384A>G is a pathogenic or benign variant. We consider it to be a variant of uncertain significance.

Ambry Genetics
Classification: Likely benign for Hereditary cancer-predisposing syndrome. Last evaluated: 2015-05-05. Review status: criteria provided, single submitter. Criteria: Ambry Variant Classification Scheme 2023. Collection method: clinical testing. Allele origin: germline.